The following is an entry in ClinVar:

ClinVar aggregate classification (germline): Uncertain significance. Review status: criteria provided, multiple submitters, no conflicts (2 of 4 stars). 2 submissions from 2 submitters: Uncertain significance (2). Last evaluated 2024-01-26.

Conditions:
Inborn genetic diseases. Identifiers: MedGen C0950123, MeSH D030342.

Submissions (2):

Labcorp Genetics (formerly Invitae), Labcorp
Classification: Uncertain significance. Last evaluated: 2024-01-26. Review status: criteria provided, single submitter. Criteria: Invitae Variant Classification Sherloc (09022015). Collection method: clinical testing. Allele origin: germline.
Comment: This sequence change replaces leucine, which is neutral and non-polar, with glutamine, which is neutral and polar, at codon 3 of the ROBO2 protein (p.Leu3Gln). This variant is not present in population databases (gnomAD no frequency). This variant has not been reported in the literature in individuals affected with ROBO2-related conditions. Advanced modeling of protein sequence and biophysical properties (such as structural, functional, and spatial information, amino acid conservation, physicochemical variation, residue mobility, and thermodynamic stability) performed at Invitae indicates that this missense variant is not expected to disrupt ROBO2 protein function with a negative predictive value of 95%. In summary, the available evidence is currently insufficient to determine the role of this variant in disease. Therefore, it has been classified as a Variant of Uncertain Significance.

Ambry Genetics
Classification: Uncertain significance for Inborn genetic diseases. Last evaluated: 2023-12-27. Review status: criteria provided, single submitter. Criteria: Ambry Variant Classification Scheme 2023. Collection method: clinical testing. Allele origin: germline.

NM_001395656.1(ROBO2):c.8T>A (p.Leu3Gln)

Gene: ROBO2 (roundabout guidance receptor 2; plus strand). Cytogenetic location: 3p12.3.
Variant type: single nucleotide variant.
Coding change: c.8T>A on transcript NM_001395656.1 (MANE Select); coding-DNA position 8, T replaced by A.
Protein change: p.Leu3Gln; replaces leucine 3 with glutamine.
Molecular consequence: missense variant. On other transcripts: 5 prime UTR variant (1), intron variant (16).
Genome position (GRCh38, 1-based): chr3:77,040,793, T>A. VCF-style: chr3-77040793-T-A. GRCh37 (hg19) VCF-style: chr3-77089944-T-A.
Other names: c.8T>A, p.Leu3Gln (NM_001290039.2, NM_001290040.2, NM_001378193.1 and 3 more transcripts); c.-1911T>A (NM_001290065.2); c.110-57221T>A (NM_001378191.1, NM_001378195.1, NM_001378196.1 and 5 more transcripts); c.131-57221T>A (NM_001394213.1, NM_001378192.1, NM_001378198.1 and 5 more transcripts); c.8T>A (NM_002942.4); short protein forms L3Q.
Identifiers: ClinVar variation 2712373 (VCV002712373.4), dbSNP rs2475197740, ClinGen allele CA353573482.